The following is an entry in ClinVar:

NM_020774.4(MIB1):c.2595A>C (p.Glu865Asp)

Gene: MIB1 (MIB E3 ubiquitin protein ligase 1; plus strand). Cytogenetic location: 18q11.2.
Variant type: single nucleotide variant.
Coding change: c.2595A>C on transcript NM_020774.4 (MANE Select); coding-DNA position 2595, A replaced by C.
Protein change: p.Glu865Asp; replaces glutamic acid 865 with aspartic acid.
Molecular consequence: missense variant.
Genome position (GRCh38, 1-based): chr18:21,853,148, A>C. VCF-style: chr18-21853148-A-C. GRCh37 (hg19) VCF-style: chr18-19433109-A-C.
Other names: short protein forms E865D.
Identifiers: ClinVar variation 4624999 (VCV004624999.1).

ClinVar aggregate classification (germline): Uncertain significance (1 of 4 stars; one submission).

Conditions:
Inborn genetic diseases. Identifiers: MedGen C0950123, MeSH D030342.

Submission:

Ambry Genetics
Classification: Uncertain significance for Inborn genetic diseases. Last evaluated: 2025-11-16. Review status: criteria provided, single submitter. Criteria: Ambry Variant Classification Scheme 2023. Collection method: clinical testing. Allele origin: germline.
Comment: The p.E865D variant (also known as c.2595A>C), located in coding exon 18 of the MIB1 gene, results from an A to C substitution at nucleotide position 2595. The glutamic acid at codon 865 is replaced by aspartic acid, an amino acid with highly similar properties. This amino acid position is conserved. In addition, the in silico prediction for this alteration is inconclusive. Based on the available evidence, the clinical significance of this variant remains unclear.